The following is an entry in ClinVar:

ClinVar aggregate classification (germline): Uncertain significance. Review status: criteria provided, multiple submitters, no conflicts (2 of 4 stars). 2 submissions from 2 submitters: Uncertain significance (2). Last evaluated 2026-07-07.

Conditions:
Hereditary breast ovarian cancer syndrome. Also called: Hereditary breast and ovarian cancer syndrome (HBOC); Hereditary breast and ovarian cancer syndrome; Breast and ovarian cancer; Hereditary breast and/or ovarian cancer syndrome; Hereditary breast and ovarian cancer; BRCA1- and BRCA2-Associated Hereditary Breast and Ovarian Cancer. Identifiers: Orphanet 145, MedGen C0677776, MeSH D061325, MONDO:0003582. Disease mechanism: loss of function.
Hereditary cancer-predisposing syndrome. Also called: Hereditary neoplastic syndrome; Neoplastic Syndromes, Hereditary; Tumor predisposition; Hereditary Cancer Syndrome. Identifiers: Orphanet 140162, MedGen C0027672, MeSH D009386, MONDO:0015356.

Submissions (2):

Ambry Genetics
Classification: Uncertain significance for Hereditary cancer-predisposing syndrome. Last evaluated: 2026-07-07. Review status: criteria provided, single submitter. Criteria: Ambry Variant Classification Scheme 2023. Collection method: clinical testing. Allele origin: germline.
Comment: The p.T1116S variant (also known as c.3346A>T), located in coding exon 10 of the BRCA2 gene, results from an A to T substitution at nucleotide position 3346. The threonine at codon 1116 is replaced by serine, an amino acid with similar properties. This amino acid position is conserved. In addition, this alteration is predicted to be tolerated by in silico analysis. Based on the available evidence, the clinical significance of this variant remains unclear.

Labcorp Genetics (formerly Invitae), Labcorp
Classification: Uncertain significance for Hereditary breast ovarian cancer syndrome. Last evaluated: 2025-02-03. Review status: criteria provided, single submitter. Criteria: Invitae Variant Classification Sherloc (09022015). Collection method: clinical testing. Allele origin: germline.
Comment: This sequence change replaces threonine, which is neutral and polar, with serine, which is neutral and polar, at codon 1116 of the BRCA2 protein (p.Thr1116Ser). This variant is not present in population databases (gnomAD no frequency). This variant has not been reported in the literature in individuals affected with BRCA2-related conditions. Invitae Evidence Modeling of protein sequence and biophysical properties (such as structural, functional, and spatial information, amino acid conservation, physicochemical variation, residue mobility, and thermodynamic stability) indicates that this missense variant is not expected to disrupt BRCA2 protein function with a negative predictive value of 95%. In summary, the available evidence is currently insufficient to determine the role of this variant in disease. Therefore, it has been classified as a Variant of Uncertain Significance.

NM_000059.4(BRCA2):c.3346A>T (p.Thr1116Ser)

Gene: BRCA2 (BRCA2 DNA repair associated; plus strand). Cytogenetic location: 13q13.1.
Variant type: single nucleotide variant.
Coding change: c.3346A>T on transcript NM_000059.4 (MANE Select); coding-DNA position 3346, A replaced by T.
Protein change: p.Thr1116Ser; replaces threonine 1116 with serine.
Molecular consequence: missense variant. On other transcripts: non-coding transcript variant (1), intron variant (2).
Genome position (GRCh38, 1-based): chr13:32,337,701, A>T. VCF-style: chr13-32337701-A-T. GRCh37 (hg19) VCF-style: chr13-32911838-A-T.
Other names: c.3346A>T, p.Thr1116Ser (NM_001406719.1, NM_001406720.1, NM_001432077.1); c.1909+4314A>T (NM_001406721.1); c.424+6671A>T (NM_001406722.1); short protein forms T1116S.
Identifiers: ClinVar variation 3636456 (VCV003636456.3).
Genomic context (GRCh38, chr13:32,337,701, plus strand): 5'-GATTTTAATTCAAACCATAATTTAACACCTAGCCAAAAGGCAGAAATTACAGAACTTTCT[A>T]CTATATTAGAAGAATCAGGAAGTCAGTTTGAATTTACTCAGTTTAGAAAACCAAGCTACA-3'
Protein context (NP_000050.3, residues 1106-1126): SQKAEITELS[Thr1116Ser]ILEESGSQFE